The following is an entry in ClinVar:

ClinVar aggregate classification (germline): Likely benign. Review status: criteria provided, multiple submitters, no conflicts (2 of 4 stars). 3 submissions from 3 submitters: Likely benign (3). Last evaluated 2025-10-12.

Conditions:
NOTCH1-related disorder. Also called: NOTCH1-related condition; NOTCH1-related disorders.
Adams-Oliver syndrome 5 (AOS5). Identifiers: Orphanet 974, MedGen C4014970, MONDO:0014459, OMIM 616028.

Allele frequency attached by ClinVar (database versions not stated): gnomAD exomes 0.00002; ExAC 0.00003; ESP Exome Variant Server 0.00008; gnomAD 0.00011 and 0.00012; TOPMed 0.00014; 1000 Genomes Project 0.00020; 1000 Genomes Project 30x 0.00031.
gnomAD v4.1: 29 of 1,612,560 alleles (0.0018%); highest among the groups gnomAD compares: African/African-American, 0.028%; no homozygotes.

Submissions (3):

Labcorp Genetics (formerly Invitae), Labcorp
Classification: Likely benign for Adams-Oliver syndrome 5. Last evaluated: 2025-10-12. Review status: criteria provided, single submitter. Criteria: Invitae Variant Classification Sherloc (09022015). Collection method: clinical testing. Allele origin: germline.

PreventionGenetics, part of Exact Sciences
Classification: Likely benign for NOTCH1-related condition. Last evaluated: 2025-02-17. Review status: criteria provided, single submitter. Criteria: ACMG Guidelines, 2015. Collection method: clinical testing. Allele origin: germline.
Comment: This variant is classified as likely benign based on ACMG/AMP sequence variant interpretation guidelines (Richards et al. 2015 PMID: 25741868, with internal and published modifications).

Women's Health and Genetics/Laboratory Corporation of America, LabCorp
Classification: Likely benign. Last evaluated: 2024-08-11. Review status: criteria provided, single submitter. Criteria: LabCorp Variant Classification Summary - May 2015. Collection method: clinical testing. Allele origin: germline.

NM_017617.5(NOTCH1):c.5472+9C>T

Gene: NOTCH1 (notch receptor 1; minus strand). Cytogenetic location: 9q34.3.
Variant type: single nucleotide variant.
Coding change: c.5472+9C>T on transcript NM_017617.5 (MANE Select); 9 bases into the intron after coding-DNA position 5472, C replaced by T.
Molecular consequence: intron variant.
Genome position (GRCh38, 1-based): chr9:136,501,992, G>A on the plus strand (C>T on the coding strand, the complement: NOTCH1 is on the minus strand). VCF-style: chr9-136501992-G-A. GRCh37 (hg19) VCF-style: chr9-139396444-G-A.
Other names: c.5472+9C>T (NM_017617.4).
Identifiers: ClinVar variation 1018252 (VCV001018252.11), dbSNP rs200788026, ClinGen allele CA5340259.